The following is an entry in ClinVar:

NM_003571.4(BFSP2):c.*73C>T

Genes: BFSP2-AS1 (BFSP2 antisense RNA 1; minus strand), BFSP2 (beaded filament structural protein 2; plus strand). Cytogenetic location: 3q22.1.
Variant type: single nucleotide variant.
Coding change: c.*73C>T on transcript NM_003571.4 (MANE Select); 73 bases downstream of the stop codon, C replaced by T.
Molecular consequence: 3 prime UTR variant.
Genome position (GRCh38, 1-based): chr3:133,475,045, C>T. VCF-style: chr3-133475045-C-T. GRCh37 (hg19) VCF-style: chr3-133193889-C-T.
Identifiers: ClinVar variation 343413 (VCV000343413.5), dbSNP rs537979573, ClinGen allele CA10615352.
Genomic context (GRCh38, chr3:133,475,045, plus strand): 5'-CTCTTTTTCATGAAGAAAACACCCTTCCTCAACAGCTGACCCAAGAAGTTGCTTGAGGAG[C>T]TTTCTCCTGAGCTCCAGTCCCTGCTGGATTCCCTGGTTAATTCAGCTTGAGCTGAAAAGC-3'

ClinVar aggregate classification (germline): Benign (1 of 4 stars; one submission).

Conditions:
Cataract 12 multiple types. Identifiers: Orphanet 91492, MedGen C3808115, MONDO:0012701, OMIM 611597.

Allele frequency attached by ClinVar (database versions not stated): gnomAD 0.00014 and 0.00015; TOPMed 0.00015; 1000 Genomes Project 30x 0.00031; 1000 Genomes Project 0.00040.
gnomAD v4.1: 287 of 1,582,930 alleles (0.018%); highest among the groups gnomAD compares: Admixed American, 0.055%; no homozygotes.

Submission:

Illumina Laboratory Services, Illumina
Classification: Benign for Cataract 12 multiple types. Last evaluated: 2018-01-12. Review status: criteria provided, single submitter. Criteria: ICSL Variant Classification Criteria 13 December 2019. Collection method: clinical testing. Allele origin: germline.
Comment: This variant was observed in the ICSL laboratory as part of a predisposition screen in an ostensibly healthy population. It had not been previously curated by ICSL or reported in the Human Gene Mutation Database (HGMD: prior to June 1st, 2018), and was therefore a candidate for classification through an automated scoring system. Utilizing variant allele frequency, disease prevalence and penetrance estimates, and inheritance mode, an automated score was calculated to assess if this variant is too frequent to cause the disease. Based on the score and internal cut-off values, a variant classified as benign is not then subjected to further curation. The score for this variant resulted in a classification of benign for this disease.